The following is an entry in ClinVar:

NM_145691.4(ATPAF2):c.*130T>C

Gene: ATPAF2 (ATP synthase mitochondrial F1 complex assembly factor 2; minus strand). Cytogenetic location: 17p11.2.
Variant type: single nucleotide variant.
Coding change: c.*130T>C on transcript NM_145691.4 (MANE Select); 130 bases downstream of the stop codon, T replaced by C.
Molecular consequence: 3 prime UTR variant.
Genome position (GRCh38, 1-based): chr17:18,018,419, A>G on the plus strand (T>C on the coding strand, the complement: ATPAF2 is on the minus strand). VCF-style: chr17-18018419-A-G. GRCh37 (hg19) VCF-style: chr17-17921733-A-G.
Identifiers: ClinVar variation 322094 (VCV000322094.5), dbSNP rs117739515, ClinGen allele CA10649632.

ClinVar aggregate classification (germline): Benign (1 of 4 stars; one submission).

Conditions:
Mitochondrial complex V (ATP synthase) deficiency, nuclear type 1. Also called: Nuclear-Encoded ATPase Deficiency, ATPAF2-Related; MITOCHONDRIAL COMPLEX V (ATP SYNTHASE) DEFICIENCY, ATPAF2 TYPE. Identifiers: Orphanet 254913, MedGen C3276276, MONDO:0011421, OMIM 604273.

Allele frequency attached by ClinVar (database versions not stated): 1000 Genomes Project 30x 0.01187; TOPMed 0.00231; 1000 Genomes Project 0.01198; gnomAD 0.00300.
gnomAD v4.1: 2,137 of 1,255,238 alleles (0.17%); highest among the groups gnomAD compares: East Asian, 4.6%; 47 homozygotes.

Submission:

Illumina Laboratory Services, Illumina
Classification: Benign for Mitochondrial complex V (ATP synthase) deficiency, nuclear type 1. Last evaluated: 2018-01-13. Review status: criteria provided, single submitter. Criteria: ICSL Variant Classification Criteria 13 December 2019. Collection method: clinical testing. Allele origin: germline.
Comment: This variant was observed in the ICSL laboratory as part of a predisposition screen in an ostensibly healthy population. It had not been previously curated by ICSL or reported in the Human Gene Mutation Database (HGMD: prior to June 1st, 2018), and was therefore a candidate for classification through an automated scoring system. Utilizing variant allele frequency, disease prevalence and penetrance estimates, and inheritance mode, an automated score was calculated to assess if this variant is too frequent to cause the disease. Based on the score and internal cut-off values, a variant classified as benign is not then subjected to further curation. The score for this variant resulted in a classification of benign for this disease.